The following is an entry in ClinVar:

NM_198514.4(NHLRC2):c.1620del (p.Glu541fs)

Gene: NHLRC2 (NHL repeat containing 2; plus strand). Cytogenetic location: 10q25.3.
Variant type: Deletion.
Coding change: c.1620del on transcript NM_198514.4 (MANE Select); coding-DNA position 1620, one base deleted (A; older notation c.1620delA).
Protein change: p.Glu541fs; shifts the reading frame from glutamic acid 541.
Molecular consequence: frameshift variant.
Genome position (GRCh38, 1-based): chr10:113,903,652, A deleted. VCF-style (leftmost placement, unchanged base first): chr10-113903651-GA-G. GRCh37 (hg19) VCF-style: chr10-115663410-GA-G.
Other names: short protein forms E541fs.
Identifiers: ClinVar variation 4986773 (VCV004986773.1).
Genomic context (GRCh38, chr10:113,903,651, plus strand): 5'-ATGTTACCAGTTCCAGTTTTACAGAGTCAACTTTTAATGAACCAGGAGGCTTGTGTATTG[GA>G]GAGAATGGAGAATTATTATATGTAGCAGACACCAATAATCATCAAATTAAAGTGATGGAT-3'

ClinVar aggregate classification (germline): Likely pathogenic (1 of 4 stars; one submission).

Conditions:
NHLRC2-related disorder. Also called: NHLRC2-related condition.

Submission:

PreventionGenetics, part of Exact Sciences
Classification: Likely pathogenic for NHLRC2-related condition. Last evaluated: 2025-01-24. Review status: criteria provided, single submitter. Criteria: ACMG Guidelines, 2015. Collection method: clinical testing. Allele origin: germline.
Comment: The NHLRC2 c.1620delA variant is predicted to result in a frameshift and premature protein termination (p.Glu541Argfs*8). To our knowledge, this variant has not been reported in the literature or in a large population database (gnomAD), indicating this variant is rare. Frameshift variants in NHLRC2 are expected to be pathogenic. This variant is interpreted as likely pathogenic.